The following is an entry in ClinVar:

ClinVar aggregate classification (germline): Uncertain significance. Review status: criteria provided, multiple submitters, no conflicts (2 of 4 stars). 2 submissions from 2 submitters: Uncertain significance (2). Last evaluated 2024-11-05.

gnomAD v4.1: 1 of 1,613,708 alleles (0.000062%); highest among the groups gnomAD compares: African/African-American, 0.0013%; no homozygotes.

Submissions (2):

Labcorp Genetics (formerly Invitae), Labcorp
Classification: Uncertain significance. Last evaluated: 2024-11-05. Review status: criteria provided, single submitter. Criteria: Invitae Variant Classification Sherloc (09022015). Collection method: clinical testing. Allele origin: germline.
Comment: This sequence change replaces arginine, which is basic and polar, with isoleucine, which is neutral and non-polar, at codon 155 of the MMP13 protein (p.Arg155Ile). This variant is not present in population databases (gnomAD no frequency). This variant has not been reported in the literature in individuals affected with MMP13-related conditions. Invitae Evidence Modeling of protein sequence and biophysical properties (such as structural, functional, and spatial information, amino acid conservation, physicochemical variation, residue mobility, and thermodynamic stability) indicates that this missense variant is expected to disrupt MMP13 protein function with a positive predictive value of 80%. In summary, the available evidence is currently insufficient to determine the role of this variant in disease. Therefore, it has been classified as a Variant of Uncertain Significance.

Blueprint Genetics
Classification: Uncertain significance. Last evaluated: 2024-07-09. Review status: criteria provided, single submitter. Criteria: ACMG Guidelines, 2015. Collection method: clinical testing. Allele origin: germline.

NM_002427.4(MMP13):c.464G>T (p.Arg155Ile)

Gene: MMP13 (matrix metallopeptidase 13; minus strand). Cytogenetic location: 11q22.2.
Variant type: single nucleotide variant.
Coding change: c.464G>T on transcript NM_002427.4 (MANE Select); coding-DNA position 464, G replaced by T.
Protein change: p.Arg155Ile; replaces arginine 155 with isoleucine.
Molecular consequence: missense variant.
Genome position (GRCh38, 1-based): chr11:102,954,505, C>A on the plus strand (G>T on the coding strand, the complement: MMP13 is on the minus strand). VCF-style: chr11-102954505-C-A. GRCh37 (hg19) VCF-style: chr11-102825234-C-A.
Other names: short protein forms R155I.
Identifiers: ClinVar variation 3702187 (VCV003702187.3).